The following is an entry in ClinVar:

NM_000284.4(PDHA1):c.972G>A (p.Met324Ile)

Gene: PDHA1 (pyruvate dehydrogenase E1 subunit alpha 1; plus strand). Cytogenetic location: Xp22.12.
Variant type: single nucleotide variant.
Coding change: c.972G>A on transcript NM_000284.4 (MANE Select); coding-DNA position 972, G replaced by A.
Protein change: p.Met324Ile; replaces methionine 324 with isoleucine.
Molecular consequence: missense variant.
Genome position (GRCh38, 1-based): chrX:19,358,988, G>A. VCF-style: chrX-19358988-G-A. GRCh37 (hg19) VCF-style: chrX-19377106-G-A.
Other names: c.1086G>A, p.Met362Ile (NM_001173454.2); c.993G>A, p.Met331Ile (NM_001173455.2); c.879G>A, p.Met293Ile (NM_001173456.2); short protein forms M324I, M293I, M331I, M362I.
Identifiers: ClinVar variation 588425 (VCV000588425.10), dbSNP rs755945768, ClinGen allele CA10363169.

ClinVar aggregate classification (germline): Uncertain significance. Review status: criteria provided, multiple submitters, no conflicts (2 of 4 stars). 4 submissions from 4 submitters: Uncertain significance (3). 1 of the submissions does not count toward it. Last evaluated 2025-10-11.

Conditions:
Inborn genetic diseases. Identifiers: MedGen C0950123, MeSH D030342.
Pyruvate dehydrogenase complex deficiency (PDHC). Also called: PYRUVATE DECARBOXYLASE DEFICIENCY; Pyruvate Dehydrogenase Complex Deficiency Disease; Pyruvate dehydrogenase deficiency; Ataxia with lactic acidosis 1; PDH DEFICIENCY. Identifiers: Orphanet 765, Orphanet 79243, MedGen C0034345, MONDO:0019169.
Pyruvate dehydrogenase E1-alpha deficiency (PDHAD). Also called: Ataxia, intermittent, with pyruvate dehydrogenase, or decarboxylase, deficiency; ATAXIA, INTERMITTENT, WITH PYRUVATE DEHYDROGENASE DEFICIENCY; ATAXIA WITH LACTIC ACIDOSIS I; ATAXIA, INTERMITTENT, WITH ABNORMAL PYRUVATE METABOLISM. Identifiers: Orphanet 79243, MedGen C1839413, MONDO:0010717, OMIM 312170.

Allele frequency attached by ClinVar (database versions not stated): gnomAD exomes below 0.00001 and 0.00001; ExAC 0.00001; TOPMed 0.00001.
gnomAD v4.1: 3 of 1,184,004 alleles (0.00025%); highest among the groups gnomAD compares: African/African-American, 0.0017%; no homozygotes.

Submissions (4):

Labcorp Genetics (formerly Invitae), Labcorp
Classification: Uncertain significance for Pyruvate dehydrogenase E1-alpha deficiency. Last evaluated: 2025-10-11. Review status: criteria provided, single submitter. Criteria: Invitae Variant Classification Sherloc (09022015). Collection method: clinical testing. Allele origin: germline.
Comment: This sequence change replaces methionine, which is neutral and non-polar, with isoleucine, which is neutral and non-polar, at codon 324 of the PDHA1 protein (p.Met324Ile). This variant is present in population databases (rs755945768, gnomAD 0.001%). This variant has not been reported in the literature in individuals affected with PDHA1-related conditions. ClinVar contains an entry for this variant (Variation ID: 588425). Invitae Evidence Modeling of protein sequence and biophysical properties (such as structural, functional, and spatial information, amino acid conservation, physicochemical variation, residue mobility, and thermodynamic stability) indicates that this missense variant is not expected to disrupt PDHA1 protein function with a negative predictive value of 95%. In summary, the available evidence is currently insufficient to determine the role of this variant in disease. Therefore, it has been classified as a Variant of Uncertain Significance.

Baylor Genetics
Classification: Uncertain significance for Pyruvate dehydrogenase E1-alpha deficiency. Last evaluated: 2019-10-29. Review status: criteria provided, single submitter. Criteria: ACMG Guidelines, 2015. Collection method: clinical testing. Allele origin: unknown. Affected: yes.
Comment: This variant was determined to be of uncertain significance according to ACMG Guidelines, 2015 [PMID:25741868].

Ambry Genetics
Classification: Uncertain significance for Inborn genetic diseases. Last evaluated: 2016-11-11. Review status: criteria provided, single submitter. Criteria: Ambry Variant Classification Scheme 2023. Collection method: clinical testing. Allele origin: germline.
Comment: The p.M324I variant (also known as c.972G>A), located in coding exon 10 of the PDHA1 gene, results from a G to A substitution at nucleotide position 972. The methionine at codon 324 is replaced by isoleucine, an amino acid with highly similar properties. This variant was not reported in population based cohorts in the following databases: Database of Single Nucleotide Polymorphisms (dbSNP), NHLBI Exome Sequencing Project (ESP), and 1000 Genomes Project. In the ESP, this variant was not observed in 6503 samples with coverage at this position. This amino acid position is highly conserved in available vertebrate species. In addition, this alteration is predicted to be deleterious by in silico analysis. Since supporting evidence is limited at this time, the clinical significance of this variant remains unclear.

Natera, Inc.
Classification: Uncertain significance for Pyruvate decarboxylase deficiency. Last evaluated: 2021-02-25. Review status: no assertion criteria provided. Collection method: clinical testing. Allele origin: germline. Not counted in ClinVar's aggregate classification.